The following is an entry in ClinVar:

ClinVar aggregate classification (germline): Uncertain significance (1 of 4 stars; one submission).

Conditions:
Developmental and epileptic encephalopathy, 27 (DEE27). Also called: GRIN2B-Related Neurodevelopmental Disorder; Epileptic encephalopathy, early infantile, 27. Identifiers: Orphanet 3451, MedGen C4015316, MONDO:0014505, OMIM 616139.
Intellectual developmental disorder, autosomal dominant 6, with or without seizures. Also called: Intellectual disability, autosomal dominant 6; GRIN2B-related developmental delay, intellectual disability and autism spectrum disorder. Identifiers: Orphanet 589547, MedGen C3151411, MONDO:0013509, OMIM 613970.

gnomAD v4.1: 6 of 1,614,250 alleles (0.00037%); highest among the groups gnomAD compares: Admixed American, 0.01%; no homozygotes.

Submission:

Labcorp Genetics (formerly Invitae), Labcorp
Classification: Uncertain significance for Developmental and epileptic encephalopathy, 27; Intellectual developmental disorder, autosomal dominant 6, with or without seizures. Last evaluated: 2025-04-11. Review status: criteria provided, single submitter. Criteria: Invitae Variant Classification Sherloc (09022015). Collection method: clinical testing. Allele origin: germline.
Comment: This sequence change replaces aspartic acid, which is acidic and polar, with asparagine, which is neutral and polar, at codon 1332 of the GRIN2B protein (p.Asp1332Asn). This variant is present in population databases (rs200421469, gnomAD 0.02%). This variant has not been reported in the literature in individuals affected with GRIN2B-related conditions. ClinVar contains an entry for this variant (Variation ID: 2160882). Invitae Evidence Modeling of protein sequence and biophysical properties (such as structural, functional, and spatial information, amino acid conservation, physicochemical variation, residue mobility, and thermodynamic stability) indicates that this missense variant is not expected to disrupt GRIN2B protein function with a negative predictive value of 95%. In summary, the available evidence is currently insufficient to determine the role of this variant in disease. Therefore, it has been classified as a Variant of Uncertain Significance.

NM_000834.5(GRIN2B):c.3994G>A (p.Asp1332Asn)

Gene: GRIN2B (glutamate ionotropic receptor NMDA type subunit 2B; minus strand). Cytogenetic location: 12p13.1.
Variant type: single nucleotide variant.
Coding change: c.3994G>A on transcript NM_000834.5 (MANE Select); coding-DNA position 3994, G replaced by A.
Protein change: p.Asp1332Asn; replaces aspartic acid 1332 with asparagine.
Molecular consequence: missense variant.
Genome position (GRCh38, 1-based): chr12:13,563,244, C>T on the plus strand (G>A on the coding strand, the complement: GRIN2B is on the minus strand). VCF-style: chr12-13563244-C-T. GRCh37 (hg19) VCF-style: chr12-13716178-C-T.
Other names: c.3994G>A, p.Asp1332Asn (NM_001413992.1); short protein forms D1332N.
Identifiers: ClinVar variation 2160882 (VCV002160882.4), dbSNP rs200421469, ClinGen allele CA6460806.
Genomic context (GRCh38, chr12:13,563,244, plus strand): 5'-TGTTGGCAAAGGTGCTCTCGCCAGCTGACATCTCAAACATGTGGGCGTAGGGGCTCCCAT[C>T]CATGAATCGGCCCTTGTCTTTCAGGCTTACGCTGCGCGGGGCCAGGGCGGCTTCTTCCTT-3'
Protein context (NP_000825.2, residues 1322-1342): VSLKDKGRFM[Asp1332Asn]GSPYAHMFEM